The following is an entry in ClinVar:

ClinVar aggregate classification (germline): Uncertain significance (1 of 4 stars; one submission).

Conditions:
Hereditary cancer-predisposing syndrome. Also called: Neoplastic Syndromes, Hereditary; Tumor predisposition; Hereditary neoplastic syndrome; Hereditary Cancer Syndrome. Identifiers: Orphanet 140162, MedGen C0027672, MeSH D009386, MONDO:0015356.

Submission:

Ambry Genetics
Classification: Uncertain significance for Hereditary cancer-predisposing syndrome. Last evaluated: 2026-07-09. Review status: criteria provided, single submitter. Criteria: Ambry Variant Classification Scheme 2023. Collection method: clinical testing. Allele origin: germline.
Comment: The p.T1460I variant (also known as c.4379C>T), located in coding exon 30 of the SMARCA4 gene, results from a C to T substitution at nucleotide position 4379. The threonine at codon 1460 is replaced by isoleucine, an amino acid with similar properties. This amino acid position is conserved. In addition, this alteration is predicted to be tolerated by in silico analysis. Based on the available evidence, the clinical significance of this variant remains unclear.

NM_003072.5(SMARCA4):c.4283C>T (p.Thr1428Ile)

Gene: SMARCA4 (SWI/SNF related BAF chromatin remodeling complex subunit ATPase 4; plus strand). Cytogenetic location: 19p13.2.
Variant type: single nucleotide variant.
Coding change: c.4283C>T on transcript NM_003072.5 (MANE Select); coding-DNA position 4283, C replaced by T.
Protein change: p.Thr1428Ile; replaces threonine 1428 with isoleucine.
Molecular consequence: missense variant. On other transcripts: non-coding transcript variant (1).
Genome position (GRCh38, 1-based): chr19:11,041,419, C>T. VCF-style: chr19-11041419-C-T. GRCh37 (hg19) VCF-style: chr19-11152095-C-T.
Other names: c.4283C>T, p.Thr1428Ile (NM_001128844.3); c.4193C>T, p.Thr1398Ile (NM_001128845.2, NM_001128846.2); c.4184C>T, p.Thr1395Ile (NM_001128847.4, NM_001128848.2, NM_001374457.1); c.4379C>T, p.Thr1460Ile (NM_001128849.3, NM_001387283.1); c.4280C>T, p.Thr1427Ile (NM_001411150.1); short protein forms T1460I, T1398I, T1427I, T1395I, T1428I.
Identifiers: ClinVar variation 5029860 (VCV005029860.1).
Genomic context (GRCh38, chr19:11,041,419, plus strand): 5'-AATCATCACGGAAGCGCAAGCGAGACAGCGACGCCGGCTCCTCCACCCCGACCACCAGCA[C>T]CCGCAGCCGCGACAAGGACGACGAGAGCAAGAAGCAGAAGAAGCGCGGGCGGCCGCCTGC-3'
Protein context (NP_003063.2, residues 1418-1438): DAGSSTPTTS[Thr1428Ile]RSRDKDDESK